The following is an entry in ClinVar:

NM_032228.6(FAR1):c.1439G>T (p.Arg480Leu)

Gene: FAR1 (fatty acyl-CoA reductase 1; plus strand). Cytogenetic location: 11p15.3.
Variant type: single nucleotide variant.
Coding change: c.1439G>T on transcript NM_032228.6 (MANE Select); coding-DNA position 1439, G replaced by T.
Protein change: p.Arg480Leu; replaces arginine 480 with leucine.
Molecular consequence: missense variant.
Genome position (GRCh38, 1-based): chr11:13,728,665, G>T. VCF-style: chr11-13728665-G-T. GRCh37 (hg19) VCF-style: chr11-13750212-G-T.
Other names: short protein forms R480L.
Identifiers: ClinVar variation 426339 (VCV000426339.5), dbSNP rs1057517926, ClinGen allele CA379859374.

ClinVar aggregate classification (germline): Pathogenic. Review status: criteria provided, multiple submitters, no conflicts (2 of 4 stars). 3 submissions from 3 submitters: Pathogenic (2). 1 of the submissions does not count toward it. Last evaluated 2023-02-23.

Conditions:
Spastic paraparesis-cataracts-speech delay syndrome (CSPSD). Also called: CATARACTS, SPASTIC PARAPARESIS, AND SPEECH DELAY. Identifiers: Orphanet 615938, MedGen C5543440, MONDO:0036212, OMIM 619338.
CATARACTS, SPASTIC PARAPLEGIA, AND SPEECH DELAY.

Submissions (3):

3billion
Classification: Pathogenic for Spastic paraparesis-cataracts-speech delay syndrome. Last evaluated: 2023-02-23. Review status: criteria provided, single submitter. Criteria: ACMG Guidelines, 2015. Collection method: clinical testing. Allele origin: unknown. Affected: yes.
Comment: The variant is not observed in the gnomAD v2.1.1 dataset. Missense changes are a common disease-causing mechanism. In silico tool predictions suggest damaging effect of the variant on gene or gene product (REVEL: 0.52; 3Cnet: 0.97). Same nucleotide change resulting in same amino acid change has been previously reported to be associated with FAR1 related disorder (ClinVar ID: VCV000426339). The variant has been previously reported as de novo in a similarly affected individual (PMID: 33239752). Different missense changes at the same codon (p.Arg480Cys, p.Arg480His) have been reported as pathogenic/likely pathogenic with strong evidence (ClinVar ID: VCV000372689, VCV000423867). Therefore, this variant is classified as Pathogenic according to the recommendation of ACMG/AMP guideline.

GeneDx
Classification: Pathogenic. Last evaluated: 2021-03-10. Review status: criteria provided, single submitter. Criteria: GeneDx Variant Classification Process June 2021. Collection method: clinical testing. Allele origin: germline. Affected: yes.
Comment: Not observed in large population cohorts (Lek et al., 2016); In silico analysis supports that this missense variant has a deleterious effect on protein structure/function; This variant is associated with the following publications: (PMID: 33239752)

OMIM
Classification: Pathogenic for CATARACTS, SPASTIC PARAPLEGIA, AND SPEECH DELAY. Last evaluated: 2021-05-20. Review status: no assertion criteria provided. Collection method: literature only. Allele origin: germline. Not counted in ClinVar's aggregate classification.

Literature cited by the submitters: PubMed 33239752 (cited by 3billion and OMIM).